The following is an entry in ClinVar:

ClinVar aggregate classification (germline): Pathogenic (1 of 4 stars; one submission).

Conditions:
Encephalopathy, progressive, early-onset, with brain edema and/or leukoencephalopathy, 1 (PEBEL1). Also called: NAD(P)HX epimerase deficiency. Identifiers: Orphanet 555407, MedGen C4310675, MONDO:0020781, OMIM 617186.

Allele frequency attached by ClinVar (database versions not stated): gnomAD exomes below 0.00001; TOPMed below 0.00001.

Submission:

3billion
Classification: Pathogenic for Encephalopathy, progressive, early-onset, with brain edema and/or leukoencephalopathy, 1. Last evaluated: 2022-01-03. Review status: criteria provided, single submitter. Criteria: ACMG Guidelines, 2015. Collection method: clinical testing. Allele origin: germline. Affected: yes. Observed: 1 homozygote.
Comment: Frameshift: predicted to result in a loss or disruption of normal protein function through nonsense-mediated decay (NMD) or protein truncation. Multiple pathogenic variants are reported downstream of the variant (PVS1_VS). The variant has been reported to be associated with NAXE related disorder (3billion dataset).It is not observed in the gnomAD v2.1.1 dataset (PM2_M). Therefore, this variant is classified as pathogenic according to the recommendation of ACMG/AMP guideline.

NM_144772.3(NAXE):c.536dup (p.Tyr180fs)

Gene: NAXE (NAD(P)HX epimerase; plus strand). Cytogenetic location: 1q22.
Variant type: Duplication.
Coding change: c.536dup on transcript NM_144772.3 (MANE Select); coding-DNA position 536, one base duplicated (T; older notation c.536dupT).
Protein change: p.Tyr180fs; shifts the reading frame from tyrosine 180.
Molecular consequence: frameshift variant.
Genome position (GRCh38, 1-based): chr1:156,593,427, T duplicated. VCF-style (leftmost placement, unchanged base first): chr1-156593426-C-CT. GRCh37 (hg19) VCF-style: chr1-156563218-C-CT.
Other names: short protein forms Y180fs.
Identifiers: ClinVar variation 1333657 (VCV001333657.1), dbSNP rs1677397982, ClinGen allele CA1200667376.